The following is an entry in ClinVar:

ClinVar aggregate classification (germline): Uncertain significance. Review status: criteria provided, multiple submitters, no conflicts (2 of 4 stars). 2 submissions from 2 submitters: Uncertain significance (2). Last evaluated 2025-02-09.

Conditions:
Hereditary cancer-predisposing syndrome. Also called: Tumor predisposition; Neoplastic Syndromes, Hereditary; Hereditary Cancer Syndrome; Hereditary neoplastic syndrome. Identifiers: Orphanet 140162, MedGen C0027672, MeSH D009386, MONDO:0015356.
POLD1-related polyposis and colorectal cancer syndrome (CRCS10). Also called: Colorectal cancer 10; COLORECTAL CANCER, SUSCEPTIBILITY TO, ON CHROMOSOME 19q; Colorectal cancer, susceptibility to, 10. Identifiers: Orphanet 220460, MedGen C2675481, MONDO:0012953, OMIM 612591.

Submissions (2):

Ambry Genetics
Classification: Uncertain significance for Hereditary cancer-predisposing syndrome. Last evaluated: 2025-02-09. Review status: criteria provided, single submitter. Criteria: Ambry Variant Classification Scheme 2023. Collection method: clinical testing. Allele origin: germline.
Comment: The p.P787Q variant (also known as c.2360C>A), located in coding exon 18 of the POLD1 gene, results from a C to A substitution at nucleotide position 2360. The proline at codon 787 is replaced by glutamine, an amino acid with similar properties. This amino acid position is conserved. In addition, this alteration is predicted to be tolerated by in silico analysis. Based on the available evidence, the clinical significance of this variant remains unclear.

Labcorp Genetics (formerly Invitae), Labcorp
Classification: Uncertain significance for POLD1-related polyposis and colorectal cancer syndrome. Last evaluated: 2024-02-17. Review status: criteria provided, single submitter. Criteria: Invitae Variant Classification Sherloc (09022015). Collection method: clinical testing. Allele origin: germline.
Comment: This sequence change replaces proline, which is neutral and non-polar, with glutamine, which is neutral and polar, at codon 787 of the POLD1 protein (p.Pro787Gln). This variant is not present in population databases (gnomAD no frequency). This variant has not been reported in the literature in individuals affected with POLD1-related conditions. ClinVar contains an entry for this variant (Variation ID: 537040). Advanced modeling of protein sequence and biophysical properties (such as structural, functional, and spatial information, amino acid conservation, physicochemical variation, residue mobility, and thermodynamic stability) performed at Invitae indicates that this missense variant is not expected to disrupt POLD1 protein function with a negative predictive value of 80%. In summary, the available evidence is currently insufficient to determine the role of this variant in disease. Therefore, it has been classified as a Variant of Uncertain Significance.

NM_002691.4(POLD1):c.2360C>A (p.Pro787Gln)

Gene: POLD1 (DNA polymerase delta 1, catalytic subunit; plus strand). Cytogenetic location: 19q13.33.
Variant type: single nucleotide variant.
Coding change: c.2360C>A on transcript NM_002691.4 (MANE Select); coding-DNA position 2360, C replaced by A.
Protein change: p.Pro787Gln; replaces proline 787 with glutamine.
Molecular consequence: missense variant. On other transcripts: non-coding transcript variant (1).
Genome position (GRCh38, 1-based): chr19:50,413,851, C>A. VCF-style: chr19-50413851-C-A. GRCh37 (hg19) VCF-style: chr19-50917108-C-A.
Other names: c.2360C>A, p.Pro787Gln (NM_001256849.1); c.2438C>A, p.Pro813Gln (NM_001308632.1); c.2360C>A (NM_002691.2); short protein forms P813Q, P787Q.
Identifiers: ClinVar variation 537040 (VCV000537040.9), dbSNP rs199783227, ClinGen allele CA406984327.